The following is an entry in ClinVar:

ClinVar aggregate classification (germline): Likely benign. Review status: criteria provided, multiple submitters, no conflicts (2 of 4 stars). 2 submissions from 2 submitters: Likely benign (2). Last evaluated 2026-01-28.

Conditions:
AMPD2-related disorder. Also called: AMPD2-related condition.
Hereditary spastic paraplegia 63. Also called: Spastic paraplegia 63, autosomal recessive. Identifiers: Orphanet 401805, MedGen C3810295, MONDO:0014305, OMIM 615686.
Pontocerebellar hypoplasia type 9. Identifiers: Orphanet 369920, MedGen C4014354, MONDO:0014351, OMIM 615809.

Allele frequency attached by ClinVar (database versions not stated): gnomAD exomes 0.00006; ExAC 0.00013; 1000 Genomes Project 0.00060; 1000 Genomes Project 30x 0.00062; TOPMed 0.00001; gnomAD 0.00005.
gnomAD v4.1: 93 of 1,613,748 alleles (0.0058%); highest among the groups gnomAD compares: South Asian, 0.097%; no homozygotes.

Submissions (2):

Labcorp Genetics (formerly Invitae), Labcorp
Classification: Likely benign for Pontocerebellar hypoplasia type 9; Hereditary spastic paraplegia 63. Last evaluated: 2026-01-28. Review status: criteria provided, single submitter. Criteria: Invitae Variant Classification Sherloc (09022015). Collection method: clinical testing. Allele origin: germline.

PreventionGenetics, part of Exact Sciences
Classification: Likely benign for AMPD2-related condition. Last evaluated: 2025-06-26. Review status: criteria provided, single submitter. Criteria: ACMG Guidelines, 2015. Collection method: clinical testing. Allele origin: germline.
Comment: This variant is classified as likely benign based on ACMG/AMP sequence variant interpretation guidelines (Richards et al. 2015 PMID: 25741868, with internal and published modifications).

NM_001368809.2(AMPD2):c.150C>T (p.Pro50=)

Gene: AMPD2 (adenosine monophosphate deaminase 2; plus strand). Cytogenetic location: 1p13.3.
Variant type: single nucleotide variant.
Coding change: c.150C>T on transcript NM_001368809.2 (MANE Select); coding-DNA position 150, C replaced by T.
Protein change: p.Pro50=; no amino-acid change (proline 50 retained).
Molecular consequence: synonymous variant. On other transcripts: 5 prime UTR variant (1), intron variant (1).
Genome position (GRCh38, 1-based): chr1:109,625,361, C>T. VCF-style: chr1-109625361-C-T. GRCh37 (hg19) VCF-style: chr1-110167983-C-T.
Other names: c.312C>T, p.Pro104= (NM_001257360.2); c.-43C>T (NM_001257361.2); c.150C>T, p.Pro50= (NM_004037.9); c.69C>T, p.Pro23= (NM_139156.4); c.160-301C>T (NM_001308170.1); c.312C>T (NM_001257360.1).
Identifiers: ClinVar variation 1948309 (VCV001948309.6), dbSNP rs536855870, ClinGen allele CA992687.